The following is an entry in ClinVar:

ClinVar aggregate classification (germline): Uncertain significance (1 of 4 stars; one submission).

Conditions:
Baller-Gerold syndrome (BGS). Also called: CRANIOSYNOSTOSIS WITH RADIAL DEFECTS. Identifiers: Orphanet 1225, MedGen C0265308, MONDO:0009039, OMIM 218600.

gnomAD v4.1: 1 of 1,610,458 alleles (0.000062%); highest among the groups gnomAD compares: Non-Finnish European, 0.000085%; no homozygotes.

Submission:

Labcorp Genetics (formerly Invitae), Labcorp
Classification: Uncertain significance for Baller-Gerold syndrome. Last evaluated: 2023-05-11. Review status: criteria provided, single submitter. Criteria: Invitae Variant Classification Sherloc (09022015). Collection method: clinical testing. Allele origin: germline.
Comment: This sequence change falls in intron 19 of the RECQL4 gene. It does not directly change the encoded amino acid sequence of the RECQL4 protein. This variant is not present in population databases (gnomAD no frequency). In summary, the available evidence is currently insufficient to determine the role of this variant in disease. Therefore, it has been classified as a Variant of Uncertain Significance. Algorithms developed to predict the effect of sequence changes on RNA splicing suggest that this variant may disrupt the consensus splice site. This variant has not been reported in the literature in individuals affected with RECQL4-related conditions.

NM_004260.4(RECQL4):c.3393+11T>G

Gene: RECQL4 (RecQ like helicase 4; minus strand). Cytogenetic location: 8q24.3.
Variant type: single nucleotide variant.
Coding change: c.3393+11T>G on transcript NM_004260.4 (MANE Select); 11 bases into the intron after coding-DNA position 3393, T replaced by G.
Molecular consequence: intron variant. On other transcripts: splice donor variant (1).
Genome position (GRCh38, 1-based): chr8:144,511,900, A>C on the plus strand (T>G on the coding strand, the complement: RECQL4 is on the minus strand). VCF-style: chr8-144511900-A-C. GRCh37 (hg19) VCF-style: chr8-145737283-A-C.
Other names: c.3264+11T>G (NM_001413025.1); c.3042+11T>G (NM_001413029.1); c.2256+11T>G (NM_001413032.1, NM_001413027.1, NM_001413030.1); c.2322+11T>G (NM_001413035.1, NM_001413040.1, NM_001413021.1 and 4 more transcripts); c.3099+11T>G (NM_001413017.1); c.3297+11T>G (NM_001413020.1); c.3363+11T>G (NM_001413039.1); c.3261+11T>G (NM_001413033.1); and 9 more.
Identifiers: ClinVar variation 2733054 (VCV002733054.3), dbSNP rs2130653630, ClinGen allele CA372667774.